The following is an entry in ClinVar:

ClinVar aggregate classification (germline): Conflicting classifications of pathogenicity. Review status: criteria provided, conflicting classifications (1 of 4 stars). 12 submissions from 12 submitters: Uncertain significance (10); Likely benign (1). 1 of the submissions does not count toward it. Last evaluated 2026-07-03.

Conditions:
CFTR-related disorder (CFTR-RD). Also called: CFTR-related disorders; CFTR-related condition. Identifiers: MedGen C5924204, MONDO:7770004.
Cystic fibrosis (CF). Also called: MUCOVISCIDOSIS. Identifiers: Orphanet 586, MedGen C0010674, MONDO:0009061, OMIM 219700. Disease mechanism: loss of function.

Allele frequency attached by ClinVar (database versions not stated): gnomAD exomes 0.00002 and 0.00007; ExAC 0.00011; gnomAD 0.00028 and 0.00031; ESP Exome Variant Server 0.00031; TOPMed 0.00031.
gnomAD v4.1: 75 of 1,613,816 alleles (0.0046%); highest among the groups gnomAD compares: African/African-American, 0.095%; no homozygotes.

Submissions (12):

PreventionGenetics, part of Exact Sciences
Classification: Uncertain significance for CFTR-related condition. Last evaluated: 2026-07-03. Review status: criteria provided, single submitter. Criteria: ACMG Guidelines, 2015. Collection method: clinical testing. Allele origin: germline.
Comment: The CFTR c.2079T>G variant is predicted to result in the amino acid substitution p.Phe693Leu. This variant has been reported with a minor allele frequency as high as 0.12% in African populations including one homozygous individual (gnomAD), and has been reported as likely benign and a variant of uncertain significance in ClinVar. The c.2079T>G variant has been reported in a CFTR database with the patient presenting with severe asthma. A different nucleotide substitution, c.2077T>C, resulting in the same amino acid change (p.Phe693Leu) has been reported in a patient with pancreatic insufficiency. This variant has been reported individuals with cystic fibrosis (Groman et al. 2002. PubMed ID: 12167682; Mutesa et al. 2008. PubMed ID: 19017867), pancreatic insufficient cystic fibrosis (Boyne et al. 2000. PubMed ID: 10970190), and healthy individuals (Vankeerberghen et al. 1998. PubMed ID: 9736778). Functional studies have shown that the p.Phe693Leu variant did not significantly affect chloride transport when compared to wild-type CFTR channels (Vankeerberghen et al. 1998. PubMed ID: 9736778). At this time, the clinical significance of this variant is uncertain due to the absence of conclusive functional and genetic evidence.

Labcorp Genetics (formerly Invitae), Labcorp
Classification: Likely benign for Cystic fibrosis. Last evaluated: 2026-01-19. Review status: criteria provided, single submitter. Criteria: Invitae Variant Classification Sherloc (09022015). Collection method: clinical testing. Allele origin: germline.

Mayo Clinic Laboratories, Mayo Clinic
Classification: Uncertain significance. Last evaluated: 2025-08-12. Review status: criteria provided, single submitter. Criteria: ACMG Guidelines, 2015. Collection method: clinical testing. Allele origin: germline. Observed: 3 variant alleles.

Ambry Genetics
Classification: Uncertain significance for Cystic fibrosis. Last evaluated: 2025-04-08. Review status: criteria provided, single submitter. Criteria: Ambry Variant Classification Scheme 2023. Collection method: clinical testing. Allele origin: germline.
Comment: The p.F693L variant (also known as c.2079T>G), located in coding exon 14 of the CFTR gene, results from a T to G substitution at nucleotide position 2079. The phenylalanine at codon 693 is replaced by leucine, an amino acid with highly similar properties. This alteration was observed in an individual with cystic fibrosis-like disease; however, a second CFTR alteration was not documented (Mutesa L et al. Chest, 2009 May;135:1233-42). This alteration was also identified in conjunction with p.F508del in an individual with pancreatic insufficient cystic fibrosis; however, the phase was not provided (Boyne J et al. J Med Genet. 2000;37(7):543-7). An in vitro functional study found that this variant did not significantly affect chloride transportation or the maturation of the protein (Vankeerberghen A et al. Hum. Mol. Genet., 1998 Oct;7:1761-9). In another assay testing CFTR function, this variant showed a functionally normal result (Bihler H et al. J Cyst Fibros, 2024 Jul;23:664-675). This amino acid position is not well conserved in available vertebrate species. In addition, the in silico prediction for this alteration is inconclusive. Based on the available evidence, the clinical significance of this variant remains unclear.

Quest Diagnostics Nichols Institute San Juan Capistrano
Classification: Uncertain significance. Last evaluated: 2024-11-22. Review status: criteria provided, single submitter. Criteria: Quest Diagnostics criteria. Collection method: clinical testing. Allele origin: unknown.
Comment: The CFTR c.2079T>G (p.Phe693Leu) variant has been reported in the published literature in individuals with clinical manifestations consistent with cystic fibrosis (PMIDs: 10970190 (2000), 12167682 (2002), 14685937 (2004), 15858154 (2005), 19017867 (2009)). Functional studies have shown channel function to be normal (PMID: 9736778 (1998), 38388235 (2024)). One study considered clinical manifestations in light of this variant co-occurring with another variant in a different ion channel (i.e. SCNN1B) and/or the diagnosis of protein energy malnutrition (PEM) (PMID: 19017867 (2009)). In addition, another study detected this variant in one reportedly healthy individual of unknown sex/age who also carried a deleterious variant p.W1282X of unknown phase, however, only limited information was available (PMID: 9736778 (1998)). The frequency of this variant in the general population, 0.0012 (28/24270 chromosomes (Genome Aggregation Database)), is uninformative in the assessment of its pathogenicity. Analysis of this variant using bioinformatics tools for the prediction of the effect of amino acid changes on protein structure and function yielded predictions that this variant is benign. Based on the available information, we are unable to determine the clinical significance of this variant.

ARUP Laboratories, Molecular Genetics and Genomics, ARUP Laboratories
Classification: Uncertain significance. Last evaluated: 2024-05-14. Review status: criteria provided, single submitter. Criteria: ARUP Molecular Germline Variant Investigation Process 2024. Collection method: clinical testing. Allele origin: germline.
Comment: The CFTR c.2079T>G; p.Phe693Leu variant (rs145540754) is reported in the literature in individuals with cystic fibrosis- like symptoms; however, a second variant was not always detected (Boyne 2000, Mutesa 2009). Functional analyses found this variant did not significantly affect chloride transport (Vankeerberghen 1998). This variant is also reported in ClinVar (Variation ID: 194336). This variant is found in the African/African American population with an allele frequency of 0.12% (28/24270 alleles, including 1 homozygote) in the Genome Aggregation Database (v2.1.1). Computational analyses are uncertain whether this variant is neutral or deleterious (REVEL: 0.591). Due to limited information, the clinical significance of the p.Phe693Leu variant is uncertain at this time. References: Boyne J et al. Many deltaF508 heterozygote neonates with transient hypertrypsinaemia have a second, mild CFTR mutation. J Med Genet. 2000 Jul;37(7):543-7. PMID: 10970190. Mutesa L et al. Genetic analysis of Rwandan patients with cystic fibrosis-like symptoms: identification of novel cystic fibrosis transmembrane conductance regulator and epithelial sodium channel gene variants. Chest. 2009 May;135(5):1233-1242. PMID: 19017867. Vankeerberghen A et al. Characterization of 19 disease-associated missense mutations in the regulatory domain of the cystic fibrosis transmembrane conductance regulator. Hum Mol Genet. 1998 Oct;7(11):1761-9. PMID: 9736778.

Women's Health and Genetics/Laboratory Corporation of America, LabCorp
Classification: Uncertain significance. Last evaluated: 2022-11-03. Review status: criteria provided, single submitter. Criteria: LabCorp Variant Classification Summary - May 2015. Collection method: clinical testing. Allele origin: germline.
Comment: Variant summary: CFTR c.2079T>G (p.Phe693Leu) results in a non-conservative amino acid change located in the regulator domain (IPR025837) of the encoded protein sequence. Three of five in-silico tools predict a damaging effect of the variant on protein function. The variant allele was found at a frequency of 7.9e-05 in 253336 control chromosomes (gnomAD and Monaghan_2004), predominantly at a frequency of 0.0009 within the African or African-American subpopulation in the gnomAD database, including 1 homozygote. This frequency is not significantly higher than expected for a pathogenic variant in CFTR causing Non-Classic Cystic Fibrosis (7.9e-05 vs 0.013), allowing no conclusion about variant significance. c.2079T>G has been reported in the literature in compound heterozygosity with the 5T variant in an individual affected with Non-Classic Cystic Fibrosis and with p.F508del in a compound heterozygous individual with transient hypertrypsinaemia (e.g. Groman_2002, Boyne_2000). It has also been reported as an uninformative genotype (zygosity/second allele not specified) in an individual affected with Cystic Fibrosis, in the heterozygous state in two individuals with CF-like disease who also harbored variants in the SCNN1G and/or SCNN1B genes as well as in a healthy individual in compound heterozygosity with a pathogenic variant (e.g. Vankeerberghen_1998, Schrijver_2005b, Mutesa_2009). In addition, another variant (c.2077T>C) which leads to the same amino acid change as c.2079T>G, has been reported in a CF patient with an alternative cause for the disease phenotype (e.g. Ferec_1995). These reports do not allow any strong conclusions to be made regarding an association between c.2079T>G and disease. In a functional study, the variant did not significantly affect chloride transport ability in comparison to WT, suggesting it has little to no impact on protein function (Vankeerberghen_1998). Eight submitters have provided clinical-significance assessments for this variant to ClinVar after 2014. The majority classified the variant as VUS (n=7) and one classified it as likely benign. Based on the evidence outlined above, the variant was classified as VUS-possibly benign.

Genome-Nilou Lab
Classification: Uncertain significance for Cystic fibrosis. Last evaluated: 2021-05-18. Review status: criteria provided, single submitter. Criteria: ACMG Guidelines, 2015. Collection method: clinical testing. Allele origin: germline. Affected: no.

Revvity Omics, Revvity
Classification: Uncertain significance. Last evaluated: 2019-06-06. Review status: criteria provided, single submitter. Criteria: ACMG Guidelines, 2015. Collection method: clinical testing. Allele origin: germline.

Mendelics
Classification: Uncertain significance for Cystic fibrosis. Last evaluated: 2019-05-28. Review status: criteria provided, single submitter. Criteria: Mendelics Assertion Criteria 2017. Collection method: clinical testing. Allele origin: unknown.

Eurofins Ntd Llc (ga)
Classification: Uncertain significance. Last evaluated: 2018-09-06. Review status: criteria provided, single submitter. Criteria: EGL ClinVar v180209 classification definitions. Collection method: clinical testing. Allele origin: germline. Observed: 7 variant alleles, 7 heterozygotes.

Counsyl
Classification: Uncertain significance for Cystic fibrosis. Last evaluated: 2018-05-31. Review status: no assertion criteria provided. Collection method: clinical testing. Allele origin: unknown. Not counted in ClinVar's aggregate classification.

Literature cited by the submitters: PubMed 11001817 (cited by Mayo Clinic Laboratories, Mayo Clinic); PubMed 14685937 (cited by 4 submitters); PubMed 15354332 (cited by 3 submitters); PubMed 15858154 (cited by 4 submitters); PubMed 19017867 (cited by 6 submitters); PubMed 23087020 (cited by Mayo Clinic Laboratories, Mayo Clinic and Quest Diagnostics Nichols Institute San Juan Capistrano); PubMed 30169122 (cited by Mayo Clinic Laboratories, Mayo Clinic); PubMed 38388235 (cited by 3 submitters); PubMed 38515211 (cited by Mayo Clinic Laboratories, Mayo Clinic and Quest Diagnostics Nichols Institute San Juan Capistrano); PubMed 9736778 (cited by 5 submitters); PubMed 10970190 (cited by 3 submitters); PubMed 7541510 (cited by 3 submitters); PubMed 12167682 (cited by 3 submitters); PubMed 9459003 (cited by 3 submitters); PubMed 8406518 (cited by Quest Diagnostics Nichols Institute San Juan Capistrano); PubMed 11504857 (cited by Quest Diagnostics Nichols Institute San Juan Capistrano).

NM_000492.4(CFTR):c.2079T>G (p.Phe693Leu)

Gene: CFTR (CF transmembrane conductance regulator; plus strand). Cytogenetic location: 7q31.2.
Variant type: single nucleotide variant.
Coding change: c.2079T>G on transcript NM_000492.4 (MANE Select); coding-DNA position 2079, T replaced by G.
Protein change: p.Phe693Leu; replaces phenylalanine 693 with leucine.
Molecular consequence: missense variant.
Genome position (GRCh38, 1-based): chr7:117,592,246, T>G. VCF-style: chr7-117592246-T-G. GRCh37 (hg19) VCF-style: chr7-117232300-T-G.
Other names: short protein forms F693L.
Identifiers: ClinVar variation 194336 (VCV000194336.39), dbSNP rs145540754, ClinGen allele CA240239.